The following is an entry in ClinVar:

NM_000217.3(KCNA1):c.688A>G (p.Ile230Val)

Gene: KCNA1 (potassium voltage-gated channel subfamily A member 1; plus strand). Cytogenetic location: 12p13.32.
Variant type: single nucleotide variant.
Coding change: c.688A>G on transcript NM_000217.3 (MANE Select); coding-DNA position 688, A replaced by G.
Protein change: p.Ile230Val; replaces isoleucine 230 with valine.
Molecular consequence: missense variant.
Genome position (GRCh38, 1-based): chr12:4,912,066, A>G. VCF-style: chr12-4912066-A-G. GRCh37 (hg19) VCF-style: chr12-5021232-A-G.
Other names: short protein forms I230V.
Identifiers: ClinVar variation 3369558 (VCV003369558.3).
Genomic context (GRCh38, chr12:4,912,066, plus strand): 5'-GTCATCTACAATTCCAACATCTTCACAGACCCCTTCTTCATCGTGGAAACGCTGTGTATC[A>G]TCTGGTTCTCCTTCGAGCTGGTGGTGCGCTTCTTCGCCTGCCCCAGCAAGACGGACTTCT-3'
Protein context (NP_000208.2, residues 220-240): PFFIVETLCI[Ile230Val]WFSFELVVRF

ClinVar aggregate classification (germline): Uncertain significance. Review status: criteria provided, multiple submitters, no conflicts (2 of 4 stars). 2 submissions from 2 submitters: Uncertain significance (2). Last evaluated 2025-01-27.

Conditions:
Episodic ataxia type 1 (EA1). Also called: MYOKYMIA WITH PERIODIC ATAXIA; PAROXYSMAL ATAXIA WITH NEUROMYOTONIA, HEREDITARY; ATAXIA, EPISODIC, WITH MYOKYMIA; Episodic ataxia/myokymia syndrome. Identifiers: Orphanet 37612, Orphanet 972, MedGen C1719788, MONDO:0008047, OMIM 160120.

Submissions (2):

Labcorp Genetics (formerly Invitae), Labcorp
Classification: Uncertain significance for Episodic ataxia type 1. Last evaluated: 2025-01-27. Review status: criteria provided, single submitter. Criteria: Invitae Variant Classification Sherloc (09022015). Collection method: clinical testing. Allele origin: germline.
Comment: This sequence change replaces isoleucine, which is neutral and non-polar, with valine, which is neutral and non-polar, at codon 230 of the KCNA1 protein (p.Ile230Val). This variant is not present in population databases (gnomAD no frequency). This variant has not been reported in the literature in individuals affected with KCNA1-related conditions. ClinVar contains an entry for this variant (Variation ID: 3369558). Invitae Evidence Modeling of protein sequence and biophysical properties (such as structural, functional, and spatial information, amino acid conservation, physicochemical variation, residue mobility, and thermodynamic stability) indicates that this missense variant is not expected to disrupt KCNA1 protein function with a negative predictive value of 80%. In summary, the available evidence is currently insufficient to determine the role of this variant in disease. Therefore, it has been classified as a Variant of Uncertain Significance.

GeneDx
Classification: Uncertain significance. Last evaluated: 2024-02-22. Review status: criteria provided, single submitter. Criteria: GeneDx Variant Classification Process June 2021. Collection method: clinical testing. Allele origin: germline. Affected: yes.
Comment: Not observed at significant frequency in large population cohorts (gnomAD); In silico analysis supports that this missense variant does not alter protein structure/function; Has not been previously published as pathogenic or benign to our knowledge